The following is an entry in ClinVar:

NM_001164508.2(NEB):c.8717G>C (p.Arg2906Thr)

Gene: NEB (nebulin; minus strand). Cytogenetic location: 2q23.3.
Variant type: single nucleotide variant.
Coding change: c.8717G>C on transcript NM_001164508.2 (MANE Select); coding-DNA position 8717, G replaced by C.
Protein change: p.Arg2906Thr; replaces arginine 2906 with threonine.
Molecular consequence: missense variant.
Genome position (GRCh38, 1-based): chr2:151,640,029, C>G on the plus strand (G>C on the coding strand, the complement: NEB is on the minus strand). VCF-style: chr2-151640029-C-G. GRCh37 (hg19) VCF-style: chr2-152496543-C-G.
Other names: c.8717G>C, p.Arg2906Thr (NM_001164507.2, NM_001271208.2, NM_004543.5); short protein forms R2906T.
Identifiers: ClinVar variation 1361760 (VCV001361760.8), dbSNP rs2154103510, ClinGen allele CA348809643.

ClinVar aggregate classification (germline): Uncertain significance (1 of 4 stars; one submission).

Conditions:
Nemaline myopathy 2 (NEM2). Also called: Nemaline myopathy 2, autosomal recessive. Identifiers: MedGen C1850569, MONDO:0009725, OMIM 256030.

Submission:

Labcorp Genetics (formerly Invitae), Labcorp
Classification: Uncertain significance for Nemaline myopathy 2. Last evaluated: 2025-12-15. Review status: criteria provided, single submitter. Criteria: Invitae Variant Classification Sherloc (09022015). Collection method: clinical testing. Allele origin: germline.
Comment: This sequence change replaces arginine, which is basic and polar, with threonine, which is neutral and polar, at codon 2906 of the NEB protein (p.Arg2906Thr). This variant is not present in population databases (gnomAD no frequency). This variant has not been reported in the literature in individuals affected with NEB-related conditions. ClinVar contains an entry for this variant (Variation ID: 1361760). Experimental studies and prediction algorithms are not available or were not evaluated, and the functional significance of this variant is currently unknown. In summary, the available evidence is currently insufficient to determine the role of this variant in disease. Therefore, it has been classified as a Variant of Uncertain Significance.